The following is an entry in ClinVar:

ClinVar aggregate classification (germline): Likely pathogenic. Review status: criteria provided, multiple submitters, no conflicts (2 of 4 stars). 2 submissions from 2 submitters: Likely pathogenic (2). Last evaluated 2023-09-01.

Conditions:
Childhood Onset VCP-related Neurodevelopmental Disorder.
Frontotemporal dementia and/or amyotrophic lateral sclerosis 6 (FTDALS6). Also called: VCP-Related Amyotrophic Lateral Sclerosis/Frontotemporal Dementia; VCP-Related Amyotrophic Lateral Sclerosis. Identifiers: Orphanet 275872, Orphanet 803, MedGen C5436279, MONDO:0013501, OMIM 613954.
Inclusion body myopathy with Paget disease of bone and frontotemporal dementia type 1. Also called: Inclusion body myopathy with early-onset Paget disease with or without frontotemporal dementia 1; MULTISYSTEM PROTEINOPATHY 1; Inclusion body myopathy with early-onset Paget disease and frontotemporal dementia 1. Identifiers: MedGen C4551951, MONDO:0008178, OMIM 167320.
Charcot-Marie-Tooth disease type 2Y. Also called: CHARCOT-MARIE-TOOTH NEUROPATHY, TYPE 2Y; CHARCOT-MARIE-TOOTH DISEASE, AXONAL, AUTOSOMAL DOMINANT, TYPE 2Y; Charcot-Marie-Tooth disease, axonal, type 2y. Identifiers: Orphanet 435387, MedGen C5569026, MONDO:0014735, OMIM 616687.

Allele frequency attached by ClinVar (database versions not stated): gnomAD exomes below 0.00001.
gnomAD v4.1: 1 of 1,613,988 alleles (0.000062%); highest among the groups gnomAD compares: African/African-American, 0.0013%; no homozygotes.

Submissions (2):

The Division of Genetics and Genomic Medicine, Washington University School of Medicine
Classification: Likely pathogenic for Childhood Onset VCP-related Neurodevelopmental Disorder. Last evaluated: 2023-09-01. Review status: criteria provided, single submitter. Criteria: ACMG Guidelines, 2015. Collection method: clinical testing. Allele origin: de novo. Affected: yes. Observed: 1 variant allele.
Comment: It is not present in gnomAD and is predicted to be deleterious by multiple algorithms (REVEL score 0.89). In vitro ATPase assays show this variant has increased ATPase activity compared to wildtype (Mah-Som et al, 2023).

Molecular Genetics Lab, CHRU Brest
Classification: Likely pathogenic for Charcot-Marie-Tooth disease type 2Y; Frontotemporal dementia and/or amyotrophic lateral sclerosis 6; Inclusion body myopathy with Paget disease of bone and frontotemporal dementia type 1. Review status: criteria provided, single submitter. Criteria: ACMG Guidelines, 2015. Collection method: clinical testing. Allele origin: de novo. Affected: yes.

NM_007126.5(VCP):c.766C>G (p.Arg256Gly)

Gene: VCP (valosin containing protein; minus strand). Cytogenetic location: 9p13.3.
Variant type: single nucleotide variant.
Coding change: c.766C>G on transcript NM_007126.5 (MANE Select); coding-DNA position 766, C replaced by G.
Protein change: p.Arg256Gly; replaces arginine 256 with glycine.
Molecular consequence: missense variant.
Genome position (GRCh38, 1-based): chr9:35,063,023, G>C on the plus strand (C>G on the coding strand, the complement: VCP is on the minus strand). VCF-style: chr9-35063023-G-C. GRCh37 (hg19) VCF-style: chr9-35063020-G-C.
Other names: NP_009057.1:p.Arg256Gly; c.631C>G, p.Arg211Gly (NM_001354927.2, NM_001354928.2); short protein forms R211G, R256G.
Identifiers: ClinVar variation 2582679 (VCV002582679.2), dbSNP rs2490360233, ClinGen allele CA373286437.